The following is an entry in ClinVar:

ClinVar aggregate classification (germline): Uncertain significance (1 of 4 stars; one submission).

Conditions:
Carnitine palmitoyltransferase II deficiency. Also called: Carnitine Palmitoyltransferase 2 Deficiency. Identifiers: Orphanet 157, MedGen C0342790, MONDO:0015515.

Submission:

Labcorp Genetics (formerly Invitae), Labcorp
Classification: Uncertain significance for Carnitine palmitoyltransferase II deficiency. Last evaluated: 2024-04-08. Review status: criteria provided, single submitter. Criteria: Invitae Variant Classification Sherloc (09022015). Collection method: clinical testing. Allele origin: germline.
Comment: This sequence change replaces alanine, which is neutral and non-polar, with glycine, which is neutral and non-polar, at codon 430 of the CPT2 protein (p.Ala430Gly). This variant is not present in population databases (gnomAD no frequency). This variant has not been reported in the literature in individuals affected with CPT2-related conditions. ClinVar contains an entry for this variant (Variation ID: 1937190). Advanced modeling of protein sequence and biophysical properties (such as structural, functional, and spatial information, amino acid conservation, physicochemical variation, residue mobility, and thermodynamic stability) has been performed at Invitae for this missense variant, however the output from this modeling did not meet the statistical confidence thresholds required to predict the impact of this variant on CPT2 protein function. In summary, the available evidence is currently insufficient to determine the role of this variant in disease. Therefore, it has been classified as a Variant of Uncertain Significance.

NM_000098.3(CPT2):c.1289C>G (p.Ala430Gly)

Gene: CPT2 (carnitine palmitoyltransferase 2; plus strand). Cytogenetic location: 1p32.3.
Variant type: single nucleotide variant.
Coding change: c.1289C>G on transcript NM_000098.3 (MANE Select); coding-DNA position 1289, C replaced by G.
Protein change: p.Ala430Gly; replaces alanine 430 with glycine.
Molecular consequence: missense variant.
Genome position (GRCh38, 1-based): chr1:53,210,963, C>G. VCF-style: chr1-53210963-C-G. GRCh37 (hg19) VCF-style: chr1-53676635-C-G.
Other names: c.1289C>G, p.Ala430Gly (NM_001330589.2); short protein forms A430G.
Identifiers: ClinVar variation 1937190 (VCV001937190.5), dbSNP rs2525589812, ClinGen allele CA340394937.